The following is an entry in ClinVar:

ClinVar aggregate classification (germline): Uncertain significance (1 of 4 stars; one submission).

Conditions:
Adams-Oliver syndrome 4 (AOS4). Identifiers: Orphanet 974, MedGen C3809092, MONDO:0014124, OMIM 615297.

Allele frequency attached by ClinVar (database versions not stated): gnomAD exomes 0.00001.
gnomAD v4.1: 1 of 1,594,224 alleles (0.000063%); highest among the groups gnomAD compares: East Asian, 0.0023%; no homozygotes.

Submission:

Labcorp Genetics (formerly Invitae), Labcorp
Classification: Uncertain significance for Adams-Oliver syndrome 4. Last evaluated: 2020-02-21. Review status: criteria provided, single submitter. Criteria: Invitae Variant Classification Sherloc (09022015). Collection method: clinical testing. Allele origin: germline.
Comment: This sequence change falls in intron 11 of the EOGT gene. It does not directly change the encoded amino acid sequence of the EOGT protein, but it affects a nucleotide within the consensus splice site of the intron. This variant is not present in population databases (ExAC no frequency). This variant has not been reported in the literature in individuals with EOGT-related conditions. Nucleotide substitutions within the consensus splice site are a relatively common cause of aberrant splicing (PMID: 17576681, 9536098). Algorithms developed to predict the effect of sequence changes on RNA splicing suggest that this variant is not likely to affect RNA splicing, but this prediction has not been confirmed by published transcriptional studies. In summary, the available evidence is currently insufficient to determine the role of this variant in disease. Therefore, it has been classified as a Variant of Uncertain Significance.

Literature cited by the submitters: PubMed 17576681; PubMed 9536098.

NM_001278689.2(EOGT):c.1153-3C>T

Gene: EOGT (EGF domain specific O-linked N-acetylglucosamine transferase; minus strand). Cytogenetic location: 3p14.1.
Variant type: single nucleotide variant.
Coding change: c.1153-3C>T on transcript NM_001278689.2 (MANE Select); 3 bases into the intron before coding-DNA position 1153, C replaced by T.
Molecular consequence: intron variant.
Genome position (GRCh38, 1-based): chr3:68,982,875, G>A on the plus strand (C>T on the coding strand, the complement: EOGT is on the minus strand). VCF-style: chr3-68982875-G-A. GRCh37 (hg19) VCF-style: chr3-69032026-G-A.
Other names: c.901-3C>T (NM_173654.3).
Identifiers: ClinVar variation 1021870 (VCV001021870.1), dbSNP rs1465028816, ClinGen allele CA543559026.